The following is an entry in ClinVar:

ClinVar aggregate classification (germline): Benign. Review status: criteria provided, multiple submitters, no conflicts (2 of 4 stars). 2 submissions from 2 submitters: Benign (2). Last evaluated 2018-01-13.

Conditions:
Posterior column ataxia-retinitis pigmentosa syndrome (RETSNS). Also called: RETINOPATHY-SENSORY NEUROPATHY SYNDROME. Identifiers: Orphanet 88628, MedGen C1836916, MONDO:0012177, OMIM 609033.

Allele frequency attached by ClinVar (database versions not stated): gnomAD 0.02935 and 0.02794; 1000 Genomes Project 0.02057; TOPMed 0.02247; 1000 Genomes Project 30x 0.02717.

Submissions (2):

Illumina Laboratory Services, Illumina
Classification: Benign for Posterior column ataxia-retinitis pigmentosa syndrome. Last evaluated: 2018-01-13. Review status: criteria provided, single submitter. Criteria: ICSL Variant Classification Criteria 13 December 2019. Collection method: clinical testing. Allele origin: germline.
Comment: This variant was observed in the ICSL laboratory as part of a predisposition screen in an ostensibly healthy population. It had not been previously curated by ICSL or reported in the Human Gene Mutation Database (HGMD: prior to June 1st, 2018), and was therefore a candidate for classification through an automated scoring system. Utilizing variant allele frequency, disease prevalence and penetrance estimates, and inheritance mode, an automated score was calculated to assess if this variant is too frequent to cause the disease. Based on the score and internal cut-off values, a variant classified as benign is not then subjected to further curation. The score for this variant resulted in a classification of benign for this disease.

Breakthrough Genomics
Classification: Benign. Review status: criteria provided, single submitter. Criteria: ACMG Guidelines, 2015. Collection method: not provided. Allele origin: germline. Inheritance: Autosomal recessive inheritance. Affected: yes.

NM_014053.4(FLVCR1):c.*1751C>T

Gene: FLVCR1 (FLVCR choline and heme transporter 1; plus strand). Cytogenetic location: 1q32.3.
Variant type: single nucleotide variant.
Coding change: c.*1751C>T on transcript NM_014053.4 (MANE Select); 1751 bases downstream of the stop codon, C replaced by T.
Molecular consequence: 3 prime UTR variant.
Genome position (GRCh38, 1-based): chr1:212,897,041, C>T. VCF-style: chr1-212897041-C-T. GRCh37 (hg19) VCF-style: chr1-213070383-C-T.
Identifiers: ClinVar variation 295363 (VCV000295363.6), dbSNP rs187971996, ClinGen allele CA10608993.
Genomic context (GRCh38, chr1:212,897,041, plus strand): 5'-CTGGCCAAGATGGTGAAACCCCATCTCTACTAAAAATACAAAAATTAGCGCAGTGGCAGG[C>T]GCCTGTAATCCCAGCTACTCAGGAGGCTGAGGCAGGAGAATCGCTTGAATGCGAATGGCA-3'